The following is an entry in ClinVar:

NM_005529.7(HSPG2):c.8488C>T (p.Arg2830Cys)

Gene: HSPG2 (heparan sulfate proteoglycan 2; minus strand). Cytogenetic location: 1p36.12.
Variant type: single nucleotide variant.
Coding change: c.8488C>T on transcript NM_005529.7 (MANE Select); coding-DNA position 8488, C replaced by T.
Protein change: p.Arg2830Cys; replaces arginine 2830 with cysteine.
Molecular consequence: missense variant.
Genome position (GRCh38, 1-based): chr1:21,844,276, G>A on the plus strand (C>T on the coding strand, the complement: HSPG2 is on the minus strand). VCF-style: chr1-21844276-G-A. GRCh37 (hg19) VCF-style: chr1-22170769-G-A.
Other names: c.8491C>T, p.Arg2831Cys (NM_001291860.2); short protein forms R2830C, R2831C.
Identifiers: ClinVar variation 4694213 (VCV004694213.1).

ClinVar aggregate classification (germline): Uncertain significance (1 of 4 stars; one submission).

gnomAD v4.1: 20 of 1,613,266 alleles (0.0012%); highest among the groups gnomAD compares: Admixed American, 0.0017%; no homozygotes.

Submission:

Labcorp Genetics (formerly Invitae), Labcorp
Classification: Uncertain significance. Last evaluated: 2025-05-23. Review status: criteria provided, single submitter. Criteria: Invitae Variant Classification Sherloc (09022015). Collection method: clinical testing. Allele origin: germline.
Comment: This sequence change replaces arginine, which is basic and polar, with cysteine, which is neutral and slightly polar, at codon 2830 of the HSPG2 protein (p.Arg2830Cys). This variant is present in population databases (rs373648385, gnomAD 0.007%). This variant has not been reported in the literature in individuals affected with HSPG2-related conditions. An algorithm developed to predict the effect of missense changes on protein structure and function (PolyPhen-2) suggests that this variant is likely to be disruptive. In summary, the available evidence is currently insufficient to determine the role of this variant in disease. Therefore, it has been classified as a Variant of Uncertain Significance.